The following is an entry in ClinVar:

ClinVar aggregate classification (germline): Uncertain significance. Review status: reviewed by expert panel (3 of 4 stars). 8 submissions from 8 submitters: Uncertain significance (1). 7 of the submissions do not count toward it. Last evaluated 2024-12-03.

Conditions:
Hereditary cancer-predisposing syndrome. Also called: Neoplastic Syndromes, Hereditary; Hereditary Cancer Syndrome; Tumor predisposition; Hereditary neoplastic syndrome. Identifiers: Orphanet 140162, MedGen C0027672, MeSH D009386, MONDO:0015356.
Cardiovascular phenotype. Identifiers: MedGen CN230736.
Noonan syndrome 10 (NS10). Identifiers: Orphanet 648, MedGen C4225280, MONDO:0014693, OMIM 616564.
LZTR1-related schwannomatosis. Also called: Schwannomatosis 2; Schwannomatosis-2, susceptibility to. Identifiers: Orphanet 93921, MedGen C3810283, MONDO:0014299, OMIM 615670.
RASopathy. Also called: Noonan spectrum disorder; rasopathies. Identifiers: Orphanet 536391, MedGen C5555857, MONDO:0021060.

Allele frequency attached by ClinVar (database versions not stated): TOPMed 0.00005.
gnomAD v4.1: 167 of 1,560,822 alleles (0.011%); highest among the groups gnomAD compares: South Asian, 0.039%; 1 homozygote.

Submissions (8):

ClinGen RASopathy Variant Curation Expert Panel
Classification: Uncertain significance for RASopathy. Last evaluated: 2024-12-03. Review status: reviewed by expert panel. Criteria: ClinGen RASopathy ACMG Specifications LZTR1 V1.3.0. Collection method: curation. Allele origin: germline. Inheritance: Autosomal dominant inheritance.
Comment: The NM_006767.4:c.26G>C variant in LZTR1 is a missense variant predicted to cause substitution of glycine by alanine at amino acid 9 (p.Gly9Ala). The highest population minor allele frequency in gnomAD v2.1.1 is 0.0001954 (9/23990 alleles) in the South Asian population (PM2_Supporting, BS1, and BA1 are not met). The computational predictor REVEL gives a score of 0.093, which is below the threshold of 0.3, evidence that does not predict a damaging effect on LZTR1 function (BP4). In summary, this variant meets the criteria to be classified as uncertain significance for RASopathy based on the ACMG/AMP criteria applied, as specified by the ClinGen RASopathy VCEP: BP4. (ClinGen RASopathy VCEP specifications version 1.3; 12/3/2024)

GeneDx
Classification: Uncertain significance. Last evaluated: 2026-09-07. Review status: criteria provided, single submitter. Criteria: GeneDx Variant Classification Process June 2021. Collection method: clinical testing. Allele origin: germline. Not counted in ClinVar's aggregate classification.
Comment: Reported in the published literature in a proband with a congenital heart defect; however, this proband harbored additional variants in multiple genes associated with congenital heart defects (PMID: 40127276); In silico analysis indicates that this missense variant does not alter protein structure/function; This variant is associated with the following publications: (PMID: 40127276)

Labcorp Genetics (formerly Invitae), Labcorp
Classification: Uncertain significance. Last evaluated: 2026-01-31. Review status: criteria provided, single submitter. Criteria: Invitae Variant Classification Sherloc (09022015). Collection method: clinical testing. Allele origin: germline. Not counted in ClinVar's aggregate classification.
Comment: This sequence change replaces glycine, which is neutral and non-polar, with alanine, which is neutral and non-polar, at codon 9 of the LZTR1 protein (p.Gly9Ala). This variant is present in population databases (rs756485244, gnomAD 0.04%). This variant has not been reported in the literature in individuals affected with LZTR1-related conditions. ClinVar contains an entry for this variant (Variation ID: 522164). Invitae Evidence Modeling of protein sequence and biophysical properties (such as structural, functional, and spatial information, amino acid conservation, physicochemical variation, residue mobility, and thermodynamic stability) indicates that this missense variant is not expected to disrupt LZTR1 protein function with a negative predictive value of 95%. In summary, the available evidence is currently insufficient to determine the role of this variant in disease. Therefore, it has been classified as a Variant of Uncertain Significance.

Women's Health and Genetics/Laboratory Corporation of America, LabCorp
Classification: Uncertain significance. Last evaluated: 2025-03-31. Review status: criteria provided, single submitter. Criteria: LabCorp Variant Classification Summary - May 2015. Collection method: clinical testing. Allele origin: germline. Not counted in ClinVar's aggregate classification.
Comment: Variant summary: LZTR1 c.26G>C (p.Gly9Ala) results in a non-conservative amino acid change in the encoded protein sequence. Four of five in-silico tools predict a benign effect of the variant on protein function. The variant allele was found at a frequency of 9.8e-05 in 163374 control chromosomes. Although present at a frequency higher than estimated for Autosomal Dominant Noonan Syndrome And Related Conditions, this frequency is not significantly higher than estimated for a pathogenic variant in LZTR1 causing Autosomal Recessive Noonan Syndrome 2 (9.8e-05 vs 0.0032), allowing no conclusion about variant significance. To our knowledge, no occurrence of c.26G>C in individuals affected with Noonan Syndrome 2 and no experimental evidence demonstrating its impact on protein function have been reported. ClinVar contains an entry for this variant (Variation ID: 522164). Based on the evidence outlined above, the variant was classified as uncertain significance.

Baylor Genetics
Classification: Uncertain significance for LZTR1-related schwannomatosis. Last evaluated: 2024-02-11. Review status: criteria provided, single submitter. Criteria: ACMG Guidelines, 2015. Collection method: clinical testing. Allele origin: unknown. Not counted in ClinVar's aggregate classification.

Ambry Genetics
Classification: Uncertain significance for Cardiovascular phenotype; Hereditary cancer-predisposing syndrome. Last evaluated: 2022-10-27. Review status: criteria provided, single submitter. Criteria: Ambry Variant Classification Scheme 2023. Collection method: clinical testing. Allele origin: germline. Not counted in ClinVar's aggregate classification.
Comment: The p.G9A variant (also known as c.26G>C), located in coding exon 1 of the LZTR1 gene, results from a G to C substitution at nucleotide position 26. The glycine at codon 9 is replaced by alanine, an amino acid with similar properties. This amino acid position is not well conserved in available vertebrate species. In addition, this alteration is predicted to be tolerated by in silico analysis. Since supporting evidence is limited at this time, the clinical significance of this alteration remains unclear.

St. Jude Molecular Pathology, St. Jude Children's Research Hospital
Classification: Uncertain significance for Noonan syndrome 10. Last evaluated: 2022-08-10. Review status: criteria provided, single submitter. Criteria: St. Jude Assertion Criteria 2020. Collection method: clinical testing. Allele origin: germline. Not counted in ClinVar's aggregate classification.
Comment: The LZTR1 c.26G>C (p.Gly9Ala) missense change has a maximum subpopulation frequency of 0.038% in gnomAD v2.1.1. The in silico tool REVEL predicts a benign effect on protein function, but to our knowledge this prediction has not been confirmed by functional studies. To our knowledge, this variant has not been reported in individuals with Noonan syndrome or Schwannomatosis. In summary, the evidence currently available is insufficient to determine the clinical significance of this variant. It has therefore been classified as of uncertain significance.

Mendelics
Classification: Benign. Last evaluated: 2022-05-04. Review status: criteria provided, single submitter. Criteria: Mendelics Assertion Criteria 2019. Collection method: clinical testing. Allele origin: germline. Not counted in ClinVar's aggregate classification.

NM_006767.4(LZTR1):c.26G>C (p.Gly9Ala)

Genes: LZTR1 (leucine zipper like post translational regulator 1; plus strand), LOC130067016 (ATAC-STARR-seq lymphoblastoid silent region 13504; plus strand). Cytogenetic location: 22q11.21.
Variant type: single nucleotide variant.
Coding change: c.26G>C on transcript NM_006767.4 (MANE Select); coding-DNA position 26, G replaced by C.
Protein change: p.Gly9Ala; replaces glycine 9 with alanine.
Molecular consequence: missense variant.
Genome position (GRCh38, 1-based): chr22:20,982,397, G>C. VCF-style: chr22-20982397-G-C. GRCh37 (hg19) VCF-style: chr22-21336686-G-C.
Other names: NM_006767.4(LZTR1):c.26G>C; p.Gly9Ala; short protein forms G9A.
Identifiers: ClinVar variation 522164 (VCV000522164.21), dbSNP rs756485244, ClinGen allele CA10118269.
Genomic context (GRCh38, chr22:20,982,397, plus strand): 5'-GGCTTACAGCGCGGCCGATCCGGCGTGGACCCGGGATGGCTGGACCGGGCAGCACGGGGG[G>C]GCAGATCGGGGCTGCGGCCCTGGCAGGCGGCGCGCGGTCCAAGGTAGCCCCGAGCGTGGA-3'
Protein context (NP_006758.2, residues 1-19): MAGPGSTG[Gly9Ala]QIGAAALAGG